The following is an entry in ClinVar:

ClinVar aggregate classification (germline): Uncertain significance (1 of 4 stars; one submission).

Allele frequency attached by ClinVar (database versions not stated): gnomAD exomes below 0.00001.
gnomAD v4.1: 1 of 1,602,442 alleles (0.000062%); highest among the groups gnomAD compares: Non-Finnish European, 0.000086%; no homozygotes.

Submission:

Labcorp Genetics (formerly Invitae), Labcorp
Classification: Uncertain significance. Last evaluated: 2022-07-19. Review status: criteria provided, single submitter. Criteria: Invitae Variant Classification Sherloc (09022015). Collection method: clinical testing. Allele origin: germline.
Comment: This variant has not been reported in the literature in individuals affected with C9-related conditions. In summary, the available evidence is currently insufficient to determine the role of this variant in disease. Therefore, it has been classified as a Variant of Uncertain Significance. Algorithms developed to predict the effect of missense changes on protein structure and function are either unavailable or do not agree on the potential impact of this missense change (SIFT: "Not Available"; PolyPhen-2: "Probably Damaging"; Align-GVGD: "Not Available"). ClinVar contains an entry for this variant (Variation ID: 1389765). This variant is present in population databases (no rsID available, gnomAD 0.0009%). This sequence change replaces serine, which is neutral and polar, with leucine, which is neutral and non-polar, at codon 52 of the C9 protein (p.Ser52Leu).

NM_001737.5(C9):c.155C>T (p.Ser52Leu)

Gene: C9 (complement C9; minus strand). Cytogenetic location: 5p13.1.
Variant type: single nucleotide variant.
Coding change: c.155C>T on transcript NM_001737.5 (MANE Select); coding-DNA position 155, C replaced by T.
Protein change: p.Ser52Leu; replaces serine 52 with leucine.
Molecular consequence: missense variant.
Genome position (GRCh38, 1-based): chr5:39,342,119, G>A on the plus strand (C>T on the coding strand, the complement: C9 is on the minus strand). VCF-style: chr5-39342119-G-A. GRCh37 (hg19) VCF-style: chr5-39342221-G-A.
Other names: short protein forms S52L.
Identifiers: ClinVar variation 1389765 (VCV001389765.7), dbSNP rs1308606058, ClinGen allele CA359563930.